The following is an entry in ClinVar:

ClinVar aggregate classification (germline): Benign/Likely benign. Review status: criteria provided, multiple submitters, no conflicts (2 of 4 stars). 2 submissions from 2 submitters: Benign (1); Likely benign (1). Last evaluated 2025-04-30.

Conditions:
Ullrich congenital muscular dystrophy 2 (UCMD2). Identifiers: Orphanet 75840, MedGen C4225314, MONDO:0014654, OMIM 616470.
Bethlem myopathy 2 (BTHLM2). Identifiers: Orphanet 536516, Orphanet 610, MedGen C4225313, MONDO:0034022, OMIM 616471.

gnomAD v4.1: 11 of 1,613,830 alleles (0.00068%); highest among the groups gnomAD compares: South Asian, 0.0033%; no homozygotes.

Submissions (2):

Mayo Clinic Laboratories, Mayo Clinic
Classification: Likely benign. Last evaluated: 2025-04-30. Review status: criteria provided, single submitter. Criteria: ACMG Guidelines, 2015. Collection method: clinical testing. Allele origin: germline. Observed: 2 variant alleles.
Comment: BP4, BP7

Labcorp Genetics (formerly Invitae), Labcorp
Classification: Benign for Bethlem myopathy 2; Ullrich congenital muscular dystrophy 2. Last evaluated: 2024-06-21. Review status: criteria provided, single submitter. Criteria: Invitae Variant Classification Sherloc (09022015). Collection method: clinical testing. Allele origin: germline.

NM_004370.6(COL12A1):c.3180A>G (p.Thr1060=)

Gene: COL12A1 (collagen type XII alpha 1 chain; minus strand). Cytogenetic location: 6q13.
Variant type: single nucleotide variant.
Coding change: c.3180A>G on transcript NM_004370.6 (MANE Select); coding-DNA position 3180, A replaced by G.
Protein change: p.Thr1060=; no amino-acid change (threonine 1060 retained).
Molecular consequence: synonymous variant. On other transcripts: intron variant (1).
Genome position (GRCh38, 1-based): chr6:75,156,327, T>C on the plus strand (A>G on the coding strand, the complement: COL12A1 is on the minus strand). VCF-style: chr6-75156327-T-C. GRCh37 (hg19) VCF-style: chr6-75866043-T-C.
Other names: p.Thr1060=; c.74-3845A>G (NM_080645.3).
Identifiers: ClinVar variation 2174267 (VCV002174267.5), dbSNP rs1396698622, ClinGen allele CA450930827.